The following is an entry in ClinVar:

ClinVar aggregate classification (germline): Uncertain significance (1 of 4 stars; one submission).

Submission:

Labcorp Genetics (formerly Invitae), Labcorp
Classification: Uncertain significance. Last evaluated: 2022-10-17. Review status: criteria provided, single submitter. Criteria: Invitae Variant Classification Sherloc (09022015). Collection method: clinical testing. Allele origin: germline.
Comment: In summary, the available evidence is currently insufficient to determine the role of this variant in disease. Therefore, it has been classified as a Variant of Uncertain Significance. Experimental studies and prediction algorithms are not available or were not evaluated, and the functional significance of this variant is currently unknown. This variant has not been reported in the literature in individuals affected with CCDC50-related conditions. This variant is a gross deletion of the genomic region encompassing exon(s) 2-12 of the CCDC50 gene, which includes the termination codon. This deletion extends beyond the assayed region for this gene and therefore may encompass additional genes. While this deletion is not anticipated to lead to nonsense mediated decay, it is expected to alter mRNA translation or result in a truncated protein product.

NC_000003.11:g.(?_191074857)_(191109549_?)del

Gene: CCDC50 (coiled-coil domain containing 50; plus strand). Cytogenetic location: 3q28.
Variant type: Deletion.
Identifiers: ClinVar variation 1446685 (VCV001446685.5).